The following is an entry in ClinVar:

NM_017837.4(PIGV):c.499G>T (p.Gly167Cys)

Gene: PIGV (phosphatidylinositol glycan anchor biosynthesis class V; plus strand). Cytogenetic location: 1p36.11.
Variant type: single nucleotide variant.
Coding change: c.499G>T on transcript NM_017837.4 (MANE Select); coding-DNA position 499, G replaced by T.
Protein change: p.Gly167Cys; replaces glycine 167 with cysteine.
Molecular consequence: missense variant. On other transcripts: non-coding transcript variant (1), intron variant (3).
Genome position (GRCh38, 1-based): chr1:26,794,533, G>T. VCF-style: chr1-26794533-G-T. GRCh37 (hg19) VCF-style: chr1-27121024-G-T.
Other names: c.499G>T, p.Gly167Cys (NM_001202554.2, NM_001374478.1, NM_001374480.1 and 2 more transcripts); c.118G>T, p.Gly40Cys (NM_001374483.1); c.173-301G>T (NM_001374484.1, NM_001374485.1); c.79-3030G>T (NM_001374486.1); short protein forms G167C, G40C.
Identifiers: ClinVar variation 1516250 (VCV001516250.6), dbSNP rs756498571, ClinGen allele CA339199877.
Genomic context (GRCh38, chr1:26,794,533, plus strand): 5'-CAGTCCTTTTATGCAGCTCTGCTTTTCTGTCTCAGCCCTGCCAATGTCTTCCTGGCAGCT[G>T]GTTACTCAGAAGCTTTGTTTGCCCTCCTGACATTCAGTGCCATGGGGCAGCTGGAGAGGG-3'
Protein context (NP_060307.2, residues 157-177): LSPANVFLAA[Gly167Cys]YSEALFALLT

ClinVar aggregate classification (germline): Uncertain significance (1 of 4 stars; one submission).

Submission:

Labcorp Genetics (formerly Invitae), Labcorp
Classification: Uncertain significance. Last evaluated: 2021-08-29. Review status: criteria provided, single submitter. Criteria: Invitae Variant Classification Sherloc (09022015). Collection method: clinical testing. Allele origin: germline.
Comment: This variant has not been reported in the literature in individuals affected with PIGV-related conditions. This variant is not present in population databases (ExAC no frequency). This sequence change replaces glycine with cysteine at codon 167 of the PIGV protein (p.Gly167Cys). The glycine residue is moderately conserved and there is a large physicochemical difference between glycine and cysteine. Algorithms developed to predict the effect of missense changes on protein structure and function are either unavailable or do not agree on the potential impact of this missense change (SIFT: "Tolerated"; PolyPhen-2: "Probably Damaging"; Align-GVGD: "Class C15"). In summary, the available evidence is currently insufficient to determine the role of this variant in disease. Therefore, it has been classified as a Variant of Uncertain Significance.